The following is an entry in ClinVar:

NM_004092.4(ECHS1):c.476A>G (p.Gln159Arg)

Gene: ECHS1 (enoyl-CoA hydratase, short chain 1; minus strand). Cytogenetic location: 10q26.3.
Variant type: single nucleotide variant.
Coding change: c.476A>G on transcript NM_004092.4 (MANE Select); coding-DNA position 476, A replaced by G.
Protein change: p.Gln159Arg; replaces glutamine 159 with arginine.
Molecular consequence: missense variant.
Genome position (GRCh38, 1-based): chr10:133,368,961, T>C on the plus strand (A>G on the coding strand, the complement: ECHS1 is on the minus strand). VCF-style: chr10-133368961-T-C. GRCh37 (hg19) VCF-style: chr10-135182465-T-C.
Other names: short protein forms Q159R.
Identifiers: ClinVar variation 379794 (VCV000379794.57), dbSNP rs375032130, ClinGen allele CA5765764.

ClinVar aggregate classification (germline): Pathogenic/Likely pathogenic. Review status: criteria provided, multiple submitters, no conflicts (2 of 4 stars). 17 submissions from 16 submitters: Pathogenic (8); Likely pathogenic (6). 3 of the submissions do not count toward it. Last evaluated 2026-02-06.

Conditions:
ECHS1-related disorders.
Mitochondrial short-chain Enoyl-Coa hydratase 1 deficiency. Also called: ECHS1 deficiency; PxMD-ECHS1; Mitochondrial Short-Chain Enoyl-CoA Hydratase Deficiency. Identifiers: Orphanet 255241, Orphanet 653880, MedGen C4225391, MONDO:0014563, OMIM 616277.

Allele frequency attached by ClinVar (database versions not stated): ESP Exome Variant Server 0.00008; gnomAD exomes 0.00008 and 0.00011; gnomAD 0.00009 and 0.00011; TOPMed 0.00009; ExAC 0.00012.
gnomAD v4.1: 139 of 1,613,738 alleles (0.0086%); highest among the groups gnomAD compares: South Asian, 0.026%; no homozygotes.

Submissions (17):

Dasa
Classification: Likely pathogenic. Last evaluated: 2026-02-06. Review status: criteria provided, single submitter. Criteria: DASA Assertion Criteria. Collection method: clinical testing. Allele origin: germline.
Comment: NM_004092.4(ECHS1):c.476A>G (p.Gln159Arg) is a missense variant that results in the substitution of glutamine with arginine. Segregation data support an association with disease in the reported family/families. This variant has been recurrently observed in individuals with ECHS1-related disorders (PMID: 35206276; PMID: 26000322). Functional evidence supports an impact on the gene or gene product. Also, this variant is rare in population databases. Based on the currently available evidence, this variant is classified as likely pathogenic.

Labcorp Genetics (formerly Invitae), Labcorp
Classification: Pathogenic. Last evaluated: 2026-02-03. Review status: criteria provided, single submitter. Criteria: Invitae Variant Classification Sherloc (09022015). Collection method: clinical testing. Allele origin: germline.
Comment: This sequence change replaces glutamine, which is neutral and polar, with arginine, which is basic and polar, at codon 159 of the ECHS1 protein (p.Gln159Arg). This variant is present in population databases (rs375032130, gnomAD 0.03%). This missense change has been observed in individual(s) with mitochondrial short-chain enoyl-CoA hydratase 1 deficiency (PMID: 26081110, 26099313, 28409271, 29575569). In at least one individual the data is consistent with being in trans (on the opposite chromosome) from a pathogenic variant. ClinVar contains an entry for this variant (Variation ID: 379794). Invitae Evidence Modeling of protein sequence and biophysical properties (such as structural, functional, and spatial information, amino acid conservation, physicochemical variation, residue mobility, and thermodynamic stability) indicates that this missense variant is not expected to disrupt ECHS1 protein function with a negative predictive value of 80%. For these reasons, this variant has been classified as Pathogenic.

3billion
Classification: Pathogenic for Mitochondrial short-chain Enoyl-Coa hydratase 1 deficiency. Last evaluated: 2025-07-22. Review status: criteria provided, single submitter. Criteria: ACMG Guidelines, 2015. Collection method: clinical testing. Allele origin: germline. Affected: yes.
Comment: The variant is observed at an extremely low frequency in the gnomAD v4.1.0 dataset (total allele frequency: 0.009%). Predicted Consequence/Location: Missense variant In silico tool predictions suggest damaging effect of the variant on gene or gene product [3Cnet: 0.95 (> 0.75, sensitivity 0.96 and precision 0.92)]. The same nucleotide change resulting in the same amino acid change has been previously reported as pathogenic/likely pathogenic with strong evidence (ClinVar ID: VCV000379794 /PMID: 26081110). The variant has been reported to be in trans with a pathogenic variant as either compound heterozygous or homozygous in at least one similarly affected unrelated individual (PMID: 26000322). A different missense change at the same codon (p.Gln159His) has been reported to be associated with ECHS1-related disorder (ClinVar ID: VCV002128095). Therefore, this variant is classified as Pathogenic according to the recommendation of ACMG/AMP guideline.

Laboratory of Genetics, Children's Clinical University Hospital Latvia
Classification: Pathogenic. Last evaluated: 2025-02-16. Review status: criteria provided, single submitter. Criteria: ACMG Guidelines, 2015. Collection method: clinical testing. Allele origin: germline. Affected: yes.

Blueprint Genetics
Classification: Pathogenic for ECHS1-related disorders. Last evaluated: 2024-10-08. Review status: criteria provided, single submitter. Criteria: ACMG Guidelines, 2015. Collection method: clinical testing. Allele origin: germline. Affected: yes. Observed: 5 variant alleles.

CeGaT Center for Human Genetics Tuebingen
Classification: Pathogenic. Last evaluated: 2024-09-01. Review status: criteria provided, single submitter. Criteria: CeGaT Center For Human Genetics Tuebingen Variant Classification Criteria Version 2. Collection method: clinical testing. Allele origin: germline. Affected: yes. Observed: 4 variant alleles.
Comment: ECHS1: PM3:Very Strong, PM2

GeneDx
Classification: Pathogenic. Last evaluated: 2023-09-28. Review status: criteria provided, single submitter. Criteria: GeneDx Variant Classification Process June 2021. Collection method: clinical testing. Allele origin: germline. Affected: yes.
Comment: In silico analysis supports that this missense variant does not alter protein structure/function; This variant is associated with the following publications: (PMID: 28409271, 32800686, 26081110, 26099313, 26000322, 29575569, 29882869, 29923089, 32573669, 32329585, 32313153, 34426522, 33574353, 32677093, 35568357, 35098523)

Laboratorio de Genetica e Diagnostico Molecular, Hospital Israelita Albert Einstein
Classification: Likely pathogenic. Last evaluated: 2021-02-01. Review status: criteria provided, single submitter. Criteria: ACMG Guidelines, 2015. Collection method: clinical testing. Allele origin: germline. Affected: yes.
Comment: ACMG classification criteria: PS4, PM2, PM3, PP1, PP4, BP4

Institute of Human Genetics, Cologne University
Classification: Likely pathogenic for Mitochondrial short-chain Enoyl-Coa hydratase 1 deficiency. Last evaluated: 2020-09-30. Review status: criteria provided, single submitter. Criteria: ACMG Guidelines, 2015. Collection method: research. Allele origin: germline. Affected: yes.

Revvity Omics, Revvity
Classification: Likely pathogenic for Mitochondrial short-chain Enoyl-Coa hydratase 1 deficiency. Last evaluated: 2020-02-06. Review status: criteria provided, single submitter. Criteria: ACMG Guidelines, 2015. Collection method: clinical testing. Allele origin: germline.

Victorian Clinical Genetics Services, Murdoch Childrens Research Institute
Classification: Pathogenic for Mitochondrial short-chain Enoyl-Coa hydratase 1 deficiency. Last evaluated: 2018-01-28. Review status: criteria provided, single submitter. Criteria: ACMG Guidelines, 2015. Collection method: clinical testing. Allele origin: maternal. Affected: yes. Observed: 2 variant alleles.
Comment: A heterozygous missense variant, NM_004092.3(ECHS1):c.476A>G, has been identified in exon 4 of 8 of the ECHS1 gene. The variant is predicted to result in a moderate amino acid change from glutamine to arginine at position 159 of the protein (NP_004083.3(ECHS1):p.(Gln159Arg)). The glutamine residue at this position has very high conservation (100 vertebrates, UCSC), but is not located within a well established functional domain. The variant is present in the gnomAD database at a frequency of 0.01% (29 heterozygotes, 0 homozygotes). The variant has previously been reported as likely pathogenic in ClinVar and is reported multiple times in the liteature in patients with deficiency of shortchain enoyl-CoA hydratase (Ganetzky RD et al., 2016, Haack TB et al.; 2015, Tetreault M et al., 2015, Ferdinandusse S et al.; 2015). One of these reports showed significantly reduced enzymatic activity in a patient that was compound heterozygous for this variant (Ferdinandusse S et al.; 2015). Based on the information available at the time of curation, this variant has been classified as PATHOGENIC.

Institute of Human Genetics Munich, TUM University Hospital
Classification: Pathogenic for Mitochondrial short-chain Enoyl-Coa hydratase 1 deficiency. Last evaluated: 2017-11-16. Review status: criteria provided, single submitter. Criteria: Classification criteria August 2017. Collection method: clinical testing. Allele origin: germline. Inheritance: Autosomal recessive inheritance. Affected: yes. Observed: 1 variant allele.

Kasturba Medical College, Manipal, Kasturba Medical College, Manipal, Manipal Academy of Higher Education, Manipal, India
Classification: Likely pathogenic for Mitochondrial short-chain Enoyl-Coa hydratase 1 deficiency. Review status: criteria provided, single submitter. Criteria: ACMG Guidelines, 2015. Collection method: clinical testing. Allele origin: biparental. Affected: yes. Observed: 1 variant allele.

Kids Research, The Children's Hospital at Westmead
Classification: Likely pathogenic for Mitochondrial short-chain Enoyl-Coa hydratase 1 deficiency. Review status: criteria provided, single submitter. Criteria: ACMG Guidelines, 2015. Collection method: research. Allele origin: inherited. Inheritance: Autosomal recessive inheritance. Affected: yes.

OMIM
Classification: Pathogenic for MITOCHONDRIAL SHORT-CHAIN ENOYL-CoA HYDRATASE 1 DEFICIENCY. Last evaluated: 2020-07-13. Review status: no assertion criteria provided. Collection method: literature only. Allele origin: germline. Not counted in ClinVar's aggregate classification.

Hong-Tao Li Lab, Institute of Brain Science and Brain-inspired Research, Shandong First Medical University & Shandong Academy of Medical Sciences China
Classification: Pathogenic for Mitochondrial short-chain Enoyl-Coa hydratase 1 deficiency. Review status: no assertion criteria provided. Collection method: research. Allele origin: germline. Inheritance: Autosomal recessive inheritance. Affected: yes. Observed: 1 variant allele, 1 homozygote. Not counted in ClinVar's aggregate classification.
Comment: Observed in affected individuals from a Pakistani neurodevelopmental-disorder research cohort of 263 individuals. Classification assigned using the ACMG/AMP framework. Population-frequency evidence: gnomAD AF 0.0001062.

Hong-Tao Li Lab, Institute of Brain Science and Brain-inspired Research, Shandong First Medical University & Shandong Academy of Medical Sciences China
Classification: Pathogenic for ECHS1 deficiency. Last evaluated: 2026-06-28. Review status: flagged submission. Collection method: research. Allele origin: germline. Inheritance: Autosomal recessive inheritance. Affected: yes. Observed: 1 variant allele, 1 homozygote. Not counted in ClinVar's aggregate classification.
ClinVar note: Reason: This record appears to be redundant with a more recent record from the same submitter.
ClinVar note: Notes: SCV007653969 appears to be redundant with SCV007665955.

Literature cited by the submitters: PubMed 35206276 (cited by Dasa); PubMed 26000322 (cited by 3 submitters); PubMed 29575569 (cited by 3 submitters); PubMed 26081110 (cited by 3 submitters); PubMed 4024048 (cited by Dasa); PubMed 26099313 (cited by Labcorp Genetics (formerly Invitae), Labcorp and OMIM); PubMed 28409271 (cited by Labcorp Genetics (formerly Invitae), Labcorp); PubMed 32313153 (cited by Kids Research, The Children's Hospital at Westmead).